The following is an entry in ClinVar:

NM_001042724.2(NECTIN2):c.1169C>T (p.Thr390Met)

Gene: NECTIN2 (nectin cell adhesion molecule 2; plus strand). Cytogenetic location: 19q13.32.
Variant type: single nucleotide variant.
Coding change: c.1169C>T on transcript NM_001042724.2 (MANE Select); coding-DNA position 1169, C replaced by T.
Protein change: p.Thr390Met; replaces threonine 390 with methionine.
Molecular consequence: missense variant.
Genome position (GRCh38, 1-based): chr19:44,882,337, C>T. VCF-style: chr19-44882337-C-T. GRCh37 (hg19) VCF-style: chr19-45385594-C-T.
Other names: short protein forms T390M.
Identifiers: ClinVar variation 3048395 (VCV003048395.3), dbSNP rs539311376, ClinGen allele CA308862476.

ClinVar aggregate classification (germline): Uncertain significance (1 of 4 stars; one submission).

Conditions:
NECTIN2-related disorder. Also called: NECTIN2-related condition.

Allele frequency attached by ClinVar (database versions not stated): TOPMed 0.00002.
gnomAD v4.1: 15 of 1,520,820 alleles (0.00099%); highest among the groups gnomAD compares: African/African-American, 0.0014%; no homozygotes.

Submission:

PreventionGenetics, part of Exact Sciences
Classification: Uncertain significance for NECTIN2-related condition. Last evaluated: 2024-12-10. Review status: criteria provided, single submitter. Criteria: ACMG Guidelines, 2015. Collection method: clinical testing. Allele origin: germline.
Comment: The NECTIN2 c.1169C>T variant is predicted to result in the amino acid substitution p.Thr390Met. To our knowledge, this variant has not been reported in the literature. This variant is reported in 0.0016% of alleles in individuals of European (non-Finnish) descent in gnomAD. At this time, the clinical significance of this variant is uncertain due to the absence of conclusive functional and genetic evidence.